The following is an entry in ClinVar:

NM_007118.4(TRIO):c.1352A>T (p.His451Leu)

Gene: TRIO (trio Rho guanine nucleotide exchange factor; plus strand). Cytogenetic location: 5p15.2.
Variant type: single nucleotide variant.
Coding change: c.1352A>T on transcript NM_007118.4 (MANE Select); coding-DNA position 1352, A replaced by T.
Protein change: p.His451Leu; replaces histidine 451 with leucine.
Molecular consequence: missense variant. On other transcripts: non-coding transcript variant (1).
Genome position (GRCh38, 1-based): chr5:14,297,247, A>T. VCF-style: chr5-14297247-A-T. GRCh37 (hg19) VCF-style: chr5-14297356-A-T.
Other names: short protein forms H451L.
Identifiers: ClinVar variation 2662482 (VCV002662482.1), dbSNP rs1395679870, ClinGen allele CA359217140.
Genomic context (GRCh38, chr5:14,297,247, plus strand): 5'-AGGCGTTTGCGGCAGCCCTGGATGAGCGGAGCACCTTGCTGGACATGTCCTCCATTTTCC[A>T]CCAGAAGGCCGAAAAGGTCAGTGCCTTGAACCCCCAGCCCACGAGGTGGTAACCAGAATA-3'
Protein context (NP_009049.2, residues 441-461): STLLDMSSIF[His451Leu]QKAEKYMSNV

ClinVar aggregate classification (germline): Uncertain significance (1 of 4 stars; one submission).

Submission:

GeneDx
Classification: Uncertain significance. Last evaluated: 2023-04-14. Review status: criteria provided, single submitter. Criteria: GeneDx Variant Classification Process June 2021. Collection method: clinical testing. Allele origin: germline. Affected: yes.
Comment: Not observed at significant frequency in large population cohorts (gnomAD); In silico analysis supports that this missense variant has a deleterious effect on protein structure/function; Has not been previously published as pathogenic or benign to our knowledge